The following is an entry in ClinVar:

ClinVar aggregate classification (germline): Likely benign. Review status: criteria provided, multiple submitters, no conflicts (2 of 4 stars). 4 submissions from 4 submitters: Likely benign (4). Last evaluated 2024-07-03.

Conditions:
Hypertrophic cardiomyopathy 10. Also called: CARDIOMYOPATHY, HYPERTROPHIC, MID-LEFT VENTRICULAR CHAMBER TYPE, 2; MYL2-Related Familial Hypertrophic Cardiomyopathy. Identifiers: MedGen C1834460, MONDO:0012112, OMIM 608758.
Cardiovascular phenotype. Identifiers: MedGen CN230736.
Cardiomyopathy (CMYO). Also called: Cardiomyopathies. Identifiers: Orphanet 167848, MedGen C0878544, MONDO:0004994, HP:0001638. Inheritance: Various modes of inheritance.
Hypertrophic cardiomyopathy. Also called: HYPERTROPHIC MYOCARDIOPATHY. Identifiers: Orphanet 217569, MedGen C0007194, MeSH D002312, MONDO:0005045, HP:0001639.

Allele frequency attached by ClinVar (database versions not stated): gnomAD exomes below 0.00001 and 0.00001; gnomAD 0.00001.
gnomAD v4.1: 11 of 1,553,042 alleles (0.00071%); highest among the groups gnomAD compares: Non-Finnish European, 0.00096%; no homozygotes.

Submissions (4):

Labcorp Genetics (formerly Invitae), Labcorp
Classification: Likely benign for Hypertrophic cardiomyopathy 10. Last evaluated: 2024-07-03. Review status: criteria provided, single submitter. Criteria: Invitae Variant Classification Sherloc (09022015). Collection method: clinical testing. Allele origin: germline.

All of Us Research Program, National Institutes of Health
Classification: Likely benign for Hypertrophic cardiomyopathy. Last evaluated: 2024-02-05. Review status: criteria provided, single submitter. Criteria: ACMG Guidelines, 2015. Collection method: clinical testing. Allele origin: germline. Inheritance: Autosomal dominant inheritance. Observed: 2 variant alleles, 2 heterozygotes.
Comment: This study involves interpretation of variants in research participants for the purpose of population health screening. Participant phenotype was not available at the time of variant classification. Additional details can be found in publication PMID: 35346344, PMCID: PMC8962531

Ambry Genetics
Classification: Likely benign for Cardiovascular phenotype. Last evaluated: 2020-09-15. Review status: criteria provided, single submitter. Criteria: Ambry Variant Classification Scheme 2023. Collection method: clinical testing. Allele origin: germline.

Color Diagnostics, LLC DBA Color Health
Classification: Likely benign for Cardiomyopathy. Last evaluated: 2020-08-17. Review status: criteria provided, single submitter. Criteria: ACMG Guidelines, 2015. Collection method: clinical testing. Allele origin: germline.

NM_000432.4(MYL2):c.408C>T (p.Asp136=)

Gene: MYL2 (myosin light chain 2; minus strand). Cytogenetic location: 12q24.11.
Variant type: single nucleotide variant.
Coding change: c.408C>T on transcript NM_000432.4 (MANE Select); coding-DNA position 408, C replaced by T.
Protein change: p.Asp136=; no amino-acid change (aspartic acid 136 retained).
Molecular consequence: synonymous variant.
Genome position (GRCh38, 1-based): chr12:110,911,170, G>A on the plus strand (C>T on the coding strand, the complement: MYL2 is on the minus strand). VCF-style: chr12-110911170-G-A. GRCh37 (hg19) VCF-style: chr12-111348974-G-A.
Identifiers: ClinVar variation 1172368 (VCV001172368.13), dbSNP rs1356499130, ClinGen allele CA481750813.